The following is an entry in ClinVar:

ClinVar aggregate classification (germline): Uncertain significance (1 of 4 stars; one submission).

Allele frequency attached by ClinVar (database versions not stated): ExAC 0.00001; gnomAD exomes 0.00002.
gnomAD v4.1: 26 of 1,614,120 alleles (0.0016%); highest among the groups gnomAD compares: Non-Finnish European, 0.0021%; no homozygotes.

Submission:

Ambry Genetics
Classification: Uncertain significance. Last evaluated: 2023-05-27. Review status: criteria provided, single submitter. Criteria: Ambry Variant Classification Scheme 2023. Collection method: clinical testing. Allele origin: germline.
Comment: The p.H21R variant (also known as c.62A>G), located in coding exon 1 of the SLMAP gene, results from an A to G substitution at nucleotide position 62. The histidine at codon 21 is replaced by arginine, an amino acid with highly similar properties. This amino acid position is conserved. In addition, the in silico prediction for this alteration is inconclusive. Since supporting evidence is limited at this time, the clinical significance of this alteration remains unclear.

NM_001377540.1(SLMAP):c.62A>G (p.His21Arg)

Gene: SLMAP (sarcolemma associated protein; plus strand). Cytogenetic location: 3p14.3.
Variant type: single nucleotide variant.
Coding change: c.62A>G on transcript NM_001377540.1 (MANE Select); coding-DNA position 62, A replaced by G.
Protein change: p.His21Arg; replaces histidine 21 with arginine.
Molecular consequence: missense variant. On other transcripts: non-coding transcript variant (1).
Genome position (GRCh38, 1-based): chr3:57,757,713, A>G. VCF-style: chr3-57757713-A-G. GRCh37 (hg19) VCF-style: chr3-57743440-A-G.
Other names: c.62A>G, p.His21Arg (NM_001304420.3, NM_001304421.2, NM_001377538.1 and 17 more transcripts); short protein forms H21R.
Identifiers: ClinVar variation 2562995 (VCV002562995.2), dbSNP rs754847103, ClinGen allele CA2466707.